The following is an entry in ClinVar:

ClinVar aggregate classification (germline): Uncertain significance. Review status: criteria provided, multiple submitters, no conflicts (2 of 4 stars). 5 submissions from 5 submitters: Uncertain significance (5). Last evaluated 2026-01-19.

Conditions:
Inborn genetic diseases. Identifiers: MedGen C0950123, MeSH D030342.
Autosomal recessive osteopetrosis 1. Also called: ALBERS-SCHONBERG DISEASE, AUTOSOMAL RECESSIVE; TCIRG1-Related Osteopetrosis; TCIRG1-Related Autosomal Recessive Osteopetrosis. Identifiers: Orphanet 667, MedGen C1850127, MONDO:0009815, OMIM 259700.

Allele frequency attached by ClinVar (database versions not stated): gnomAD 0.00008; TOPMed 0.00010; ESP Exome Variant Server 0.00016; gnomAD exomes 0.00019; ExAC 0.00047.

Submissions (6):

Labcorp Genetics (formerly Invitae), Labcorp
Classification: Uncertain significance. Last evaluated: 2026-01-19. Review status: criteria provided, single submitter. Criteria: Invitae Variant Classification Sherloc (09022015). Collection method: clinical testing. Allele origin: germline.
Comment: This sequence change replaces arginine, which is basic and polar, with glutamine, which is neutral and polar, at codon 284 of the TCIRG1 protein (p.Arg284Gln). This variant is present in population databases (rs146244480, gnomAD 0.08%). This variant has not been reported in the literature in individuals affected with TCIRG1-related conditions. ClinVar contains an entry for this variant (Variation ID: 305790). Invitae Evidence Modeling of protein sequence and biophysical properties (such as structural, functional, and spatial information, amino acid conservation, physicochemical variation, residue mobility, and thermodynamic stability) indicates that this missense variant is not expected to disrupt TCIRG1 protein function with a negative predictive value of 80%. In summary, the available evidence is currently insufficient to determine the role of this variant in disease. Therefore, it has been classified as a Variant of Uncertain Significance.

Ambry Genetics
Classification: Uncertain significance for Inborn genetic diseases. Last evaluated: 2025-04-11. Review status: criteria provided, single submitter. Criteria: Ambry Variant Classification Scheme 2023. Collection method: clinical testing. Allele origin: germline.

Fulgent Genetics
Classification: Uncertain significance for Autosomal recessive osteopetrosis 1. Last evaluated: 2022-02-07. Review status: criteria provided, single submitter. Criteria: ACMG Guidelines, 2015. Collection method: clinical testing. Allele origin: unknown.

Illumina Laboratory Services, Illumina
Classification: Uncertain significance for Autosomal recessive osteopetrosis 1. Last evaluated: 2018-01-12. Review status: criteria provided, single submitter. Criteria: ICSL Variant Classification Criteria 13 December 2019. Collection method: clinical testing. Allele origin: germline.

Breakthrough Genomics
Classification: Uncertain significance. Review status: criteria provided, single submitter. Criteria: ACMG Guidelines, 2015. Collection method: not provided. Allele origin: germline. Inheritance: Autosomal recessive inheritance. Affected: yes.

Dr. Peter K. Rogan Lab, Western University
No classification provided (evidence only). Condition: Thyroid cancer, nonmedullary, 1. Review status: no classification provided. Collection method: in vitro. Allele origin: not applicable. Functional consequence: retained intron. Not counted in ClinVar's aggregate classification.

NM_006019.4(TCIRG1):c.851G>A (p.Arg284Gln)

Gene: TCIRG1 (T cell immune regulator 1, ATPase H+ transporting V0 subunit a3; plus strand). Cytogenetic location: 11q13.2.
Variant type: single nucleotide variant.
Coding change: c.851G>A on transcript NM_006019.4 (MANE Select); coding-DNA position 851, G replaced by A.
Protein change: p.Arg284Gln; replaces arginine 284 with glutamine.
Molecular consequence: missense variant. On other transcripts: 5 prime UTR variant (1).
Genome position (GRCh38, 1-based): chr11:68,044,175, G>A. VCF-style: chr11-68044175-G-A. GRCh37 (hg19) VCF-style: chr11-67811642-G-A.
Other names: c.-44G>A (NM_001351059.2); c.203G>A, p.Arg68Gln (NM_006053.4); short protein forms R284Q, R68Q.
Identifiers: ClinVar variation 305790 (VCV000305790.14), dbSNP rs146244480, ClinGen allele CA6146837.